The following is an entry in ClinVar:

NM_001940.4(ATN1):c.408C>T (p.Tyr136=)

Gene: ATN1 (atrophin 1; plus strand). Cytogenetic location: 12p13.31.
Variant type: single nucleotide variant.
Coding change: c.408C>T on transcript NM_001940.4 (MANE Select); coding-DNA position 408, C replaced by T.
Protein change: p.Tyr136=; no amino-acid change (tyrosine 136 retained).
Molecular consequence: synonymous variant.
Genome position (GRCh38, 1-based): chr12:6,935,675, C>T. VCF-style: chr12-6935675-C-T. GRCh37 (hg19) VCF-style: chr12-7044838-C-T.
Other names: p.Tyr136=; c.408C>T, p.Tyr136= (NM_001007026.2).
Identifiers: ClinVar variation 210378 (VCV000210378.34), dbSNP rs147993402, ClinGen allele CA205714.

ClinVar aggregate classification (germline): Conflicting classifications of pathogenicity. Review status: criteria provided, conflicting classifications (1 of 4 stars). 5 submissions from 5 submitters: Uncertain significance (2); Benign (3). Last evaluated 2026-08-01.

Allele frequency attached by ClinVar (database versions not stated): 1000 Genomes Project 30x 0.00047; 1000 Genomes Project 0.00060; ExAC 0.00385; gnomAD exomes 0.00436 and 0.00768; TOPMed 0.00480; gnomAD 0.00487 and 0.00506; ESP Exome Variant Server 0.00654.
gnomAD v4.1: 11,904 of 1,614,012 alleles (0.74%); highest among the groups gnomAD compares: Non-Finnish European, 0.93%; 64 homozygotes.

Submissions (5):

CeGaT Center for Human Genetics Tuebingen
Classification: Benign. Last evaluated: 2026-08-01. Review status: criteria provided, single submitter. Criteria: CeGaT Center For Human Genetics Tuebingen Variant Classification Criteria Version 2. Collection method: clinical testing. Allele origin: germline. Affected: yes. Observed: 23 variant alleles.
Comment: ATN1: BP4, BP7, BS1, BS2

ARUP Laboratories, Molecular Genetics and Genomics, ARUP Laboratories
Classification: Benign. Last evaluated: 2025-03-06. Review status: criteria provided, single submitter. Criteria: ARUP Molecular Germline Variant Investigation Process 2024. Collection method: clinical testing. Allele origin: germline.

Mayo Clinic Laboratories, Mayo Clinic
Classification: Benign. Last evaluated: 2022-06-28. Review status: criteria provided, single submitter. Criteria: ACMG Guidelines, 2015. Collection method: clinical testing. Allele origin: germline. Observed: 2 variant alleles.
Comment: BS1, BS2, BP4, BP7

Genetic Services Laboratory, University of Chicago
Classification: Uncertain significance. Last evaluated: 2014-06-27. Review status: criteria provided, single submitter. Criteria: ACMG Guidelines, 2015. Collection method: clinical testing. Allele origin: germline.

Breakthrough Genomics
Classification: Uncertain significance. Review status: criteria provided, single submitter. Criteria: ACMG Guidelines, 2015. Collection method: not provided. Allele origin: germline. Inheritance: Autosomal dominant inheritance. Affected: yes.